The following is an entry in ClinVar:

ClinVar aggregate classification (germline): Uncertain significance (1 of 4 stars; one submission).

Submission:

Labcorp Genetics (formerly Invitae), Labcorp
Classification: Uncertain significance. Last evaluated: 2023-10-22. Review status: criteria provided, single submitter. Criteria: Invitae Variant Classification Sherloc (09022015). Collection method: clinical testing. Allele origin: germline.
Comment: This sequence change replaces proline, which is neutral and non-polar, with alanine, which is neutral and non-polar, at codon 1547 of the UBR1 protein (p.Pro1547Ala). This variant is not present in population databases (gnomAD no frequency). This variant has not been reported in the literature in individuals affected with UBR1-related conditions. Advanced modeling of protein sequence and biophysical properties (such as structural, functional, and spatial information, amino acid conservation, physicochemical variation, residue mobility, and thermodynamic stability) performed at Invitae indicates that this missense variant is expected to disrupt UBR1 protein function. In summary, the available evidence is currently insufficient to determine the role of this variant in disease. Therefore, it has been classified as a Variant of Uncertain Significance.

NM_174916.3(UBR1):c.4639C>G (p.Pro1547Ala)

Gene: UBR1 (ubiquitin protein ligase E3 component n-recognin 1; minus strand). Cytogenetic location: 15q15.2.
Variant type: single nucleotide variant.
Coding change: c.4639C>G on transcript NM_174916.3 (MANE Select); coding-DNA position 4639, C replaced by G.
Protein change: p.Pro1547Ala; replaces proline 1547 with alanine.
Molecular consequence: missense variant.
Genome position (GRCh38, 1-based): chr15:42,963,996, G>C on the plus strand (C>G on the coding strand, the complement: UBR1 is on the minus strand). VCF-style: chr15-42963996-G-C. GRCh37 (hg19) VCF-style: chr15-43256194-G-C.
Other names: short protein forms P1547A.
Identifiers: ClinVar variation 2814724 (VCV002814724.1), dbSNP rs2542901662, ClinGen allele CA392060891.